The following is an entry in ClinVar:

ClinVar aggregate classification (germline): Pathogenic (1 of 4 stars; one submission).

gnomAD v4.1: 11 of 1,613,942 alleles (0.00068%); highest among the groups gnomAD compares: Middle Eastern, 0.016%; no homozygotes.

Submission:

GeneDx
Classification: Pathogenic. Last evaluated: 2026-09-23. Review status: criteria provided, single submitter. Criteria: GeneDx Variant Classification Process June 2021. Collection method: clinical testing. Allele origin: germline.
Comment: Nonsense variant predicted to result in protein truncation or nonsense mediated decay in a gene for which loss of function is a known mechanism of disease; Not observed at significant frequency in large population cohorts (gnomAD); This variant is associated with the following publications: (PMID: 34415310)

NM_058004.4(PI4KA):c.1696C>T (p.Arg566Ter)

Gene: PI4KA (phosphatidylinositol 4-kinase alpha; minus strand). Cytogenetic location: 22q11.21.
Variant type: single nucleotide variant.
Coding change: c.1696C>T on transcript NM_058004.4 (MANE Select); coding-DNA position 1696, C replaced by T.
Protein change: p.Arg566Ter; replaces arginine 566 with a stop codon.
Molecular consequence: nonsense.
Genome position (GRCh38, 1-based): chr22:20,802,001, G>A on the plus strand (C>T on the coding strand, the complement: PI4KA is on the minus strand). VCF-style: chr22-20802001-G-A. GRCh37 (hg19) VCF-style: chr22-21156289-G-A.
Other names: c.1696C>T, p.Arg566Ter (NM_001362862.2); c.1630C>T, p.Arg544Ter (NM_001362863.2); short protein forms R544*, R566*.
Identifiers: ClinVar variation 4891525 (VCV004891525.2).